The following is an entry in ClinVar:

NM_000440.3(PDE6A):c.722T>G (p.Leu241Arg)

Gene: PDE6A (phosphodiesterase 6A; minus strand). Cytogenetic location: 5q32.
Variant type: single nucleotide variant.
Coding change: c.722T>G on transcript NM_000440.3 (MANE Select); coding-DNA position 722, T replaced by G.
Protein change: p.Leu241Arg; replaces leucine 241 with arginine.
Molecular consequence: missense variant.
Genome position (GRCh38, 1-based): chr5:149,931,164, A>C on the plus strand (T>G on the coding strand, the complement: PDE6A is on the minus strand). VCF-style: chr5-149931164-A-C. GRCh37 (hg19) VCF-style: chr5-149310727-A-C.
Other names: short protein forms L241R.
Identifiers: ClinVar variation 1523854 (VCV001523854.8), dbSNP rs2113656507, ClinGen allele CA361696664.

ClinVar aggregate classification (germline): Uncertain significance (1 of 4 stars; one submission).

Submission:

Labcorp Genetics (formerly Invitae), Labcorp
Classification: Uncertain significance. Last evaluated: 2025-05-05. Review status: criteria provided, single submitter. Criteria: Invitae Variant Classification Sherloc (09022015). Collection method: clinical testing. Allele origin: germline.
Comment: This sequence change replaces leucine, which is neutral and non-polar, with arginine, which is basic and polar, at codon 241 of the PDE6A protein (p.Leu241Arg). This variant is not present in population databases (gnomAD no frequency). This variant has not been reported in the literature in individuals affected with PDE6A-related conditions. ClinVar contains an entry for this variant (Variation ID: 1523854). Invitae Evidence Modeling of protein sequence and biophysical properties (such as structural, functional, and spatial information, amino acid conservation, physicochemical variation, residue mobility, and thermodynamic stability) has been performed for this missense variant. However, the output from this modeling did not meet the statistical confidence thresholds required to predict the impact of this variant on PDE6A protein function. In summary, the available evidence is currently insufficient to determine the role of this variant in disease. Therefore, it has been classified as a Variant of Uncertain Significance.